The following is an entry in ClinVar:

ClinVar aggregate classification (germline): Uncertain significance (1 of 4 stars; one submission).

Conditions:
GROWTH HORMONE DEFICIENCY WITH PITUITARY ANOMALIES. Identifiers: MedGen C2750027, OMIM 182230.
Septo-optic dysplasia sequence (SOD). Also called: Septo-optic dysplasia; DE MORSIER SYNDROME. Identifiers: Orphanet 3157, MedGen C0338503, MONDO:0008428, OMIM 182230, HP:0100842.

Submission:

Labcorp Genetics (formerly Invitae), Labcorp
Classification: Uncertain significance for GROWTH HORMONE DEFICIENCY WITH PITUITARY ANOMALIES; Septo-optic dysplasia sequence. Last evaluated: 2021-09-15. Review status: criteria provided, single submitter. Criteria: Invitae Variant Classification Sherloc (09022015). Collection method: clinical testing. Allele origin: germline.
Comment: Algorithms developed to predict the effect of missense changes on protein structure and function (SIFT, PolyPhen-2, Align-GVGD) all suggest that this variant is likely to be tolerated. This variant has not been reported in the literature in individuals affected with HESX1-related conditions. In summary, the available evidence is currently insufficient to determine the role of this variant in disease. Therefore, it has been classified as a Variant of Uncertain Significance. This sequence change replaces aspartic acid with asparagine at codon 55 of the HESX1 protein (p.Asp55Asn). The aspartic acid residue is moderately conserved and there is a small physicochemical difference between aspartic acid and asparagine. This variant is not present in population databases (ExAC no frequency).

NM_003865.3(HESX1):c.163G>A (p.Asp55Asn)

Gene: HESX1 (HESX homeobox 1; minus strand). Cytogenetic location: 3p14.3.
Variant type: single nucleotide variant.
Coding change: c.163G>A on transcript NM_003865.3 (MANE Select); coding-DNA position 163, G replaced by A.
Protein change: p.Asp55Asn; replaces aspartic acid 55 with asparagine.
Molecular consequence: missense variant.
Genome position (GRCh38, 1-based): chr3:57,198,947, C>T on the plus strand (G>A on the coding strand, the complement: HESX1 is on the minus strand). VCF-style: chr3-57198947-C-T. GRCh37 (hg19) VCF-style: chr3-57232975-C-T.
Other names: c.163G>A, p.Asp55Asn (NM_001376058.1, NM_001376059.1, NM_001376060.1 and 1 more transcripts); short protein forms D55N.
Identifiers: ClinVar variation 1479755 (VCV001479755.6), dbSNP rs2060466182, ClinGen allele CA353401653.